The following is an entry in ClinVar:

NM_005050.4(ABCD4):c.40C>G (p.Pro14Ala)

Gene: ABCD4 (ATP binding cassette subfamily D member 4; minus strand). Cytogenetic location: 14q24.3.
Variant type: single nucleotide variant.
Coding change: c.40C>G on transcript NM_005050.4 (MANE Select); coding-DNA position 40, C replaced by G.
Protein change: p.Pro14Ala; replaces proline 14 with alanine.
Molecular consequence: missense variant. On other transcripts: 5 prime UTR variant (15), non-coding transcript variant (8), intron variant (4).
Genome position (GRCh38, 1-based): chr14:74,300,267, G>C on the plus strand (C>G on the coding strand, the complement: ABCD4 is on the minus strand). VCF-style: chr14-74300267-G-C. GRCh37 (hg19) VCF-style: chr14-74766970-G-C.
Other names: c.40C>G, p.Pro14Ala (NM_001353591.2, NM_001353592.2, NM_020325.3); c.-370C>G (NM_001353595.2); c.-242C>G (NM_001353596.2, NM_001353597.2); c.-298C>G (NM_001353599.2, NM_020324.3); c.-310C>G (NM_001353600.2); c.-170C>G (NM_001353601.2); c.-650C>G (NM_001353602.2); c.-527C>G (NM_001353603.2, NM_001353606.2); and 6 more; short protein forms P14A.
Identifiers: ClinVar variation 849796 (VCV000849796.2), dbSNP rs972140495, ClinGen allele CA390381507.

ClinVar aggregate classification (germline): Uncertain significance. Review status: criteria provided, multiple submitters, no conflicts (2 of 4 stars). 2 submissions from 2 submitters: Uncertain significance (2). Last evaluated 2025-08-12.

Conditions:
Methylmalonic acidemia with homocystinuria, type cblJ (MAHCJ). Also called: METHYLMALONIC ACIDURIA AND HOMOCYSTINURIA, cblJ TYPE. Identifiers: Orphanet 369955, MedGen C3553915, MONDO:0013925, OMIM 614857.
Inborn genetic diseases. Identifiers: MedGen C0950123, MeSH D030342.

Submissions (2):

Ambry Genetics
Classification: Uncertain significance for Inborn genetic diseases. Last evaluated: 2025-08-12. Review status: criteria provided, single submitter. Criteria: Ambry Variant Classification Scheme 2023. Collection method: clinical testing. Allele origin: germline.

Labcorp Genetics (formerly Invitae), Labcorp
Classification: Uncertain significance for METHYLMALONIC ACIDURIA AND HOMOCYSTINURIA, cblJ TYPE. Last evaluated: 2019-12-31. Review status: criteria provided, single submitter. Criteria: Invitae Variant Classification Sherloc (09022015). Collection method: clinical testing. Allele origin: germline.
Comment: This sequence change replaces proline with alanine at codon 14 of the ABCD4 protein (p.Pro14Ala). The proline residue is moderately conserved and there is a small physicochemical difference between proline and alanine. This variant is not present in population databases (ExAC no frequency). This variant has not been reported in the literature in individuals with ABCD4-related conditions. In summary, the available evidence is currently insufficient to determine the role of this variant in disease. Therefore, it has been classified as a Variant of Uncertain Significance.